The following is an entry in ClinVar:

NM_201384.3(PLEC):c.398C>T (p.Thr133Ile)

Gene: PLEC (plectin; minus strand). Cytogenetic location: 8q24.3.
Variant type: single nucleotide variant.
Coding change: c.398C>T on transcript NM_201384.3 (MANE Select); coding-DNA position 398, C replaced by T.
Protein change: p.Thr133Ile; replaces threonine 133 with isoleucine.
Molecular consequence: missense variant.
Genome position (GRCh38, 1-based): chr8:143,937,016, G>A on the plus strand (C>T on the coding strand, the complement: PLEC is on the minus strand). VCF-style: chr8-143937016-G-A. GRCh37 (hg19) VCF-style: chr8-145011184-G-A.
Other names: c.479C>T, p.Thr160Ile (NM_000445.5, NM_001410941.1); c.356C>T, p.Thr119Ile (NM_201378.4); c.332C>T, p.Thr111Ile (NM_201379.3); c.809C>T, p.Thr270Ile (NM_201380.4); c.302C>T, p.Thr101Ile (NM_201381.3); c.398C>T, p.Thr133Ile (NM_201382.4); c.410C>T, p.Thr137Ile (NM_201383.3); short protein forms T101I, T111I, T119I, T133I, T137I, T160I, T270I.
Identifiers: ClinVar variation 2435068 (VCV002435068.6), dbSNP rs370111212, ClinGen allele CA4928460.

ClinVar aggregate classification (germline): Uncertain significance. Review status: criteria provided, multiple submitters, no conflicts (2 of 4 stars). 2 submissions from 2 submitters: Uncertain significance (2). Last evaluated 2023-01-23.

Conditions:
Epidermolysis bullosa simplex 5B, with muscular dystrophy (EBS5B). Also called: EPIDERMOLYSIS BULLOSA SIMPLEX AND LIMB-GIRDLE MUSCULAR DYSTROPHY; Epidermolysis bullosa simplex with muscular dystrophy. Identifiers: Orphanet 257, MedGen C2931072, MONDO:0009181, OMIM 226670.
Epidermolysis bullosa simplex with nail dystrophy (EBS5D). Identifiers: MedGen C4225309, MONDO:0014661, OMIM 616487.
Epidermolysis bullosa simplex 5C, with pyloric atresia (EBS5C). Also called: PLEC-Related Epidermolysis Bullosa with Pyloric Atresia; Epidermolysis bullosa simplex with pyloric atresia; PLEC1-Related Epidermolysis Bullosa with Pyloric Atresia. Identifiers: Orphanet 158684, MedGen C2677349, MONDO:0012807, OMIM 612138.
Autosomal recessive limb-girdle muscular dystrophy type 2Q (LGMDR17). Also called: MUSCULAR DYSTROPHY, LIMB-GIRDLE, AUTOSOMAL RECESSIVE 17. Identifiers: Orphanet 254361, MedGen C3150989, MONDO:0013390, OMIM 613723.
Epidermolysis bullosa simplex, Ogna type (EBS5A). Also called: EPIDERMOLYSIS BULLOSA SIMPLEX 5A, OGNA TYPE; Pidermolysis bullosa simplex 5A, Ogna type. Identifiers: Orphanet 79401, MedGen C0432317, MONDO:0007555, OMIM 131950.

Allele frequency attached by ClinVar (database versions not stated): gnomAD exomes 0.00001; ExAC 0.00002; ESP Exome Variant Server 0.00016.
gnomAD v4.1: 17 of 1,612,948 alleles (0.0011%); highest among the groups gnomAD compares: Non-Finnish European, 0.0014%; no homozygotes.

Submissions (2):

Labcorp Genetics (formerly Invitae), Labcorp
Classification: Uncertain significance for Autosomal recessive limb-girdle muscular dystrophy type 2Q; Epidermolysis bullosa simplex, Ogna type; Epidermolysis bullosa simplex with nail dystrophy; Epidermolysis bullosa simplex 5C, with pyloric atresia; Epidermolysis bullosa simplex 5B, with muscular dystrophy. Last evaluated: 2023-01-23. Review status: criteria provided, single submitter. Criteria: Invitae Variant Classification Sherloc (09022015). Collection method: clinical testing. Allele origin: germline.
Comment: In summary, the available evidence is currently insufficient to determine the role of this variant in disease. Therefore, it has been classified as a Variant of Uncertain Significance. Algorithms developed to predict the effect of missense changes on protein structure and function are either unavailable or do not agree on the potential impact of this missense change (SIFT: "Tolerated"; PolyPhen-2: "Not Available"; Align-GVGD: "Class C0"). This variant has not been reported in the literature in individuals affected with PLEC-related conditions. This variant is present in population databases (rs370111212, gnomAD 0.002%). This sequence change replaces threonine, which is neutral and polar, with isoleucine, which is neutral and non-polar, at codon 160 of the PLEC protein (p.Thr160Ile).

Revvity Omics, Revvity
Classification: Uncertain significance. Last evaluated: 2021-05-07. Review status: criteria provided, single submitter. Criteria: ACMG Guidelines, 2015. Collection method: clinical testing. Allele origin: germline.